The following is an entry in ClinVar:

NM_004655.4(AXIN2):c.1338C>G (p.Val446=)

Gene: AXIN2 (axin 2; minus strand). Cytogenetic location: 17q24.1.
Variant type: single nucleotide variant.
Coding change: c.1338C>G on transcript NM_004655.4 (MANE Select); coding-DNA position 1338, C replaced by G.
Protein change: p.Val446=; no amino-acid change (valine 446 retained).
Molecular consequence: synonymous variant.
Genome position (GRCh38, 1-based): chr17:65,537,698, G>C on the plus strand (C>G on the coding strand, the complement: AXIN2 is on the minus strand). VCF-style: chr17-65537698-G-C. GRCh37 (hg19) VCF-style: chr17-63533816-G-C.
Other names: c.1338C>G, p.Val446= (NM_001363813.1).
Identifiers: ClinVar variation 3378931 (VCV003378931.1).

ClinVar aggregate classification (germline): Benign (1 of 4 stars; one submission).

Conditions:
Oligodontia-cancer predisposition syndrome. Also called: TOOTH AGENESIS-COLORECTAL CANCER SYNDROME. Identifiers: Orphanet 300576, MedGen C1837750, MONDO:0012075, OMIM 608615. Disease mechanism: loss of function.

Submission:

Myriad Genetics, Inc.
Classification: Benign for Oligodontia-cancer predisposition syndrome. Last evaluated: 2024-07-02. Review status: criteria provided, single submitter. Criteria: Myriad Autosomal Dominant, Autosomal Recessive and X-Linked Classification Criteria (2023). Collection method: clinical testing. Allele origin: unknown.
Comment: This variant is considered benign. This variant is a silent/synonymous amino acid change and it is not expected to impact splicing.